The following is an entry in ClinVar:

NM_006892.4(DNMT3B):c.724A>C (p.Met242Leu)

Gene: DNMT3B (DNA methyltransferase 3 beta; plus strand). Cytogenetic location: 20q11.21.
Variant type: single nucleotide variant.
Coding change: c.724A>C on transcript NM_006892.4 (MANE Select); coding-DNA position 724, A replaced by C.
Protein change: p.Met242Leu; replaces methionine 242 with leucine.
Molecular consequence: missense variant.
Genome position (GRCh38, 1-based): chr20:32,788,923, A>C. VCF-style: chr20-32788923-A-C. GRCh37 (hg19) VCF-style: chr20-31376729-A-C.
Other names: c.598A>C, p.Met200Leu (NM_001207055.2); c.496A>C, p.Met166Leu (NM_001207056.2); c.724A>C, p.Met242Leu (NM_175848.2, NM_175849.2); c.760A>C, p.Met254Leu (NM_175850.3); short protein forms M242L, M254L, M166L, M200L.
Identifiers: ClinVar variation 1398545 (VCV001398545.15), dbSNP rs199883886, ClinGen allele CA9810295.

ClinVar aggregate classification (germline): Uncertain significance. Review status: criteria provided, multiple submitters, no conflicts (2 of 4 stars). 2 submissions from 2 submitters: Uncertain significance (2). Last evaluated 2025-05-01.

Conditions:
Centromeric instability of chromosomes 1,9 and 16 and immunodeficiency (ICF1). Also called: CENTROMERIC INSTABILITY, IMMUNODEFICIENCY SYNDROME; IMMUNE DEFICIENCY, VARIABLE, WITH CENTROMERIC INSTABILITY OF CHROMOSOMES 1, 9, AND 16; IMMUNODEFICIENCY SYNDROME, VARIABLE; Immunodeficiency-centromeric instability-facial anomalies. Identifiers: Orphanet 2268, MedGen C0398788, MONDO:0000133.

Allele frequency attached by ClinVar (database versions not stated): 1000 Genomes Project 0.00020; gnomAD 0.00001; gnomAD exomes 0.00001; ExAC 0.00002; 1000 Genomes Project 30x 0.00016.
gnomAD v4.1: 13 of 1,613,392 alleles (0.00081%); highest among the groups gnomAD compares: Middle Eastern, 0.017%; no homozygotes.

Submissions (2):

CeGaT Center for Human Genetics Tuebingen
Classification: Uncertain significance. Last evaluated: 2025-05-01. Review status: criteria provided, single submitter. Criteria: CeGaT Center For Human Genetics Tuebingen Variant Classification Criteria Version 2. Collection method: clinical testing. Allele origin: germline. Affected: yes. Observed: 1 variant allele.
Comment: DNMT3B: PM2:Supporting, PP2, BP4

Labcorp Genetics (formerly Invitae), Labcorp
Classification: Uncertain significance for Centromeric instability of chromosomes 1,9 and 16 and immunodeficiency. Last evaluated: 2022-07-11. Review status: criteria provided, single submitter. Criteria: Invitae Variant Classification Sherloc (09022015). Collection method: clinical testing. Allele origin: germline.
Comment: This sequence change replaces methionine, which is neutral and non-polar, with leucine, which is neutral and non-polar, at codon 242 of the DNMT3B protein (p.Met242Leu). This variant is present in population databases (rs199883886, gnomAD 0.007%). This variant has not been reported in the literature in individuals affected with DNMT3B-related conditions. ClinVar contains an entry for this variant (Variation ID: 1398545). Algorithms developed to predict the effect of missense changes on protein structure and function are either unavailable or do not agree on the potential impact of this missense change (SIFT: "Tolerated"; PolyPhen-2: "Probably Damaging"; Align-GVGD: "Class C0"). In summary, the available evidence is currently insufficient to determine the role of this variant in disease. Therefore, it has been classified as a Variant of Uncertain Significance.